The following is an entry in ClinVar:

NM_016616.5(NME8):c.613G>A (p.Ala205Thr)

Gene: NME8 (NME/NM23 family member 8; plus strand). Cytogenetic location: 7p14.1.
Variant type: single nucleotide variant.
Coding change: c.613G>A on transcript NM_016616.5 (MANE Select); coding-DNA position 613, G replaced by A.
Protein change: p.Ala205Thr; replaces alanine 205 with threonine.
Molecular consequence: missense variant.
Genome position (GRCh38, 1-based): chr7:37,865,609, G>A. VCF-style: chr7-37865609-G-A. GRCh37 (hg19) VCF-style: chr7-37905211-G-A.
Other names: short protein forms A205T.
Identifiers: ClinVar variation 4120925 (VCV004120925.1).
Genomic context (GRCh38, chr7:37,865,609, plus strand): 5'-GAAGCAGAGCATAAGACAGTGCTCACTGAAGAACAAGTTGTCAACTTCTATAGTCGAATA[G>A]CAGACCAGGTATGAAAGTTAAAAAGAAAAAATCCTCTATGTGTTTAAATACAGTGGCCTC-3'
Protein context (NP_057700.3, residues 195-215): EQVVNFYSRI[Ala205Thr]DQCDFEEFVS

ClinVar aggregate classification (germline): Uncertain significance (1 of 4 stars; one submission).

Conditions:
Primary ciliary dyskinesia. Also called: Ciliary dyskinesia. Identifiers: Orphanet 244, MedGen C0008780, MONDO:0016575, HP:0012265.

Submission:

Ambry Genetics
Classification: Uncertain significance for Primary ciliary dyskinesia. Last evaluated: 2025-08-31. Review status: criteria provided, single submitter. Criteria: Ambry Variant Classification Scheme 2023. Collection method: clinical testing. Allele origin: germline.
Comment: The p.A205T variant (also known as c.613G>A), located in coding exon 8 of the NME8 gene, results from a G to A substitution at nucleotide position 613. The alanine at codon 205 is replaced by threonine, an amino acid with similar properties. This amino acid position is conserved. In addition, this alteration is predicted to be tolerated by in silico analysis. Based on the available evidence, the clinical significance of this variant remains unclear.